The following is an entry in ClinVar:

NM_018489.3(ASH1L):c.6019C>T (p.Arg2007Ter)

Gene: ASH1L (ASH1 like histone lysine methyltransferase; minus strand). Cytogenetic location: 1q22.
Variant type: single nucleotide variant.
Coding change: c.6019C>T on transcript NM_018489.3 (MANE Select); coding-DNA position 6019, C replaced by T.
Protein change: p.Arg2007Ter; replaces arginine 2007 with a stop codon.
Molecular consequence: nonsense.
Genome position (GRCh38, 1-based): chr1:155,395,543, G>A on the plus strand (C>T on the coding strand, the complement: ASH1L is on the minus strand). VCF-style: chr1-155395543-G-A. GRCh37 (hg19) VCF-style: chr1-155365334-G-A.
Other names: c.6019C>T, p.Arg2007Ter (NM_001366177.2); short protein forms R2007*.
Identifiers: ClinVar variation 3028905 (VCV003028905.2), dbSNP rs2526224355, ClinGen allele CA342670555.

ClinVar aggregate classification (germline): Likely pathogenic (1 of 4 stars; one submission).

Conditions:
Intellectual developmental disorder, autosomal dominant 52. Also called: Mental retardation, autosomal dominant 52; Intellectual disability, autosomal dominant 52. Identifiers: MedGen C4540478, MONDO:0030918, OMIM 617796.

Submission:

Human Genetics Section, Sidra Medicine
Classification: Likely pathogenic for Intellectual developmental disorder, autosomal dominant 52. Last evaluated: 2024-02-28. Review status: criteria provided, single submitter. Criteria: ACMG Guidelines, 2015. Collection method: research. Allele origin: de novo. Affected: yes. Observed: 1 variant allele.
Comment: This variant was determined to be likely pathogenic according to ACMG Guidelines